The following is an entry in ClinVar:

NM_004519.4(KCNQ3):c.2537C>T (p.Thr846Met)

Gene: KCNQ3 (potassium voltage-gated channel subfamily Q member 3; minus strand). Cytogenetic location: 8q24.22.
Variant type: single nucleotide variant.
Coding change: c.2537C>T on transcript NM_004519.4 (MANE Select); coding-DNA position 2537, C replaced by T.
Protein change: p.Thr846Met; replaces threonine 846 with methionine.
Molecular consequence: missense variant.
Genome position (GRCh38, 1-based): chr8:132,129,344, G>A on the plus strand (C>T on the coding strand, the complement: KCNQ3 is on the minus strand). VCF-style: chr8-132129344-G-A. GRCh37 (hg19) VCF-style: chr8-133141591-G-A.
Other names: c.2177C>T, p.Thr726Met (NM_001204824.2); short protein forms T846M, T726M.
Identifiers: ClinVar variation 432492 (VCV000432492.7), dbSNP rs765623435, ClinGen allele CA4880419.
Genomic context (GRCh38, chr8:132,129,344, plus strand): 5'-GTCCATACTGAATCAGAAATCCCATCCCCTGTGGACGACAGAGGCATGGAGCCGCTGGGC[G>A]TGAAGGGGTCCGTGTCTGTGTCCGTCTCACCCTCGGCGAGGTACCGCTTCTCCCTCATCC-3'
Protein context (NP_004510.1, residues 836-856): GETDTDTDPF[Thr846Met]PSGSMPLSST

ClinVar aggregate classification (germline): Uncertain significance. Review status: criteria provided, multiple submitters, no conflicts (2 of 4 stars). 2 submissions from 2 submitters: Uncertain significance (2). Last evaluated 2025-05-26.

Conditions:
Benign neonatal seizures. Also called: Convulsions benign familial neonatal dominant form; Autosomal dominant form of benign neonatal seizures; Benign familial neonatal seizures; Benign neonatal familial convulsions; Benign familial neonatal epilepsy. Identifiers: Orphanet 1949, MedGen C0220669, MONDO:0016027.

Allele frequency attached by ClinVar (database versions not stated): ExAC 0.00001; gnomAD 0.00001; gnomAD exomes 0.00001 and 0.00002; TOPMed 0.00001.
gnomAD v4.1: 10 of 1,614,206 alleles (0.00062%); highest among the groups gnomAD compares: Admixed American, 0.0033%; no homozygotes.

Submissions (2):

Labcorp Genetics (formerly Invitae), Labcorp
Classification: Uncertain significance for Benign neonatal seizures. Last evaluated: 2025-05-26. Review status: criteria provided, single submitter. Criteria: Invitae Variant Classification Sherloc (09022015). Collection method: clinical testing. Allele origin: germline.
Comment: This sequence change replaces threonine, which is neutral and polar, with methionine, which is neutral and non-polar, at codon 846 of the KCNQ3 protein (p.Thr846Met). This variant is present in population databases (rs765623435, gnomAD 0.006%). This variant has not been reported in the literature in individuals affected with KCNQ3-related conditions. ClinVar contains an entry for this variant (Variation ID: 432492). Invitae Evidence Modeling of protein sequence and biophysical properties (such as structural, functional, and spatial information, amino acid conservation, physicochemical variation, residue mobility, and thermodynamic stability) has been performed for this missense variant. However, the output from this modeling did not meet the statistical confidence thresholds required to predict the impact of this variant on KCNQ3 protein function. In summary, the available evidence is currently insufficient to determine the role of this variant in disease. Therefore, it has been classified as a Variant of Uncertain Significance.

GeneDx
Classification: Uncertain significance. Last evaluated: 2017-06-02. Review status: criteria provided, single submitter. Criteria: GeneDx Variant Classification (06012015). Collection method: clinical testing. Allele origin: germline. Affected: yes.
Comment: A variant of uncertain significance has been identified in the KCNQ3 gene. The T846M variant has not been published as a pathogenic variant, nor has it been reported as a benign variant to our knowledge. The T846M variant is not observed at a significant frequency in large population cohorts (Lek et al., 2016; 1000 Genomes Consortium et al., 2015; Exome Variant Server). The T846M variant is a non-conservative amino acid substitution, which is likely to impact secondary protein structure as these residues differ in polarity, charge, size and/or other properties. This substitution occurs at a position that is conserved across species. In silico analysis is inconsistent in its predictions as to whether or not the variant is damaging to the protein structure/function. Therefore, based on the currently available information, it is unclear whether this variant is a pathogenic variant or a rare benign variant.